The following is an entry in ClinVar:

NM_001042724.2(NECTIN2):c.147C>T (p.Thr49=)

Gene: NECTIN2 (nectin cell adhesion molecule 2; plus strand). Cytogenetic location: 19q13.32.
Variant type: single nucleotide variant.
Coding change: c.147C>T on transcript NM_001042724.2 (MANE Select); coding-DNA position 147, C replaced by T.
Protein change: p.Thr49=; no amino-acid change (threonine 49 retained).
Molecular consequence: synonymous variant.
Genome position (GRCh38, 1-based): chr19:44,865,329, C>T. VCF-style: chr19-44865329-C-T. GRCh37 (hg19) VCF-style: chr19-45368586-C-T.
Other names: c.147C>T, p.Thr49= (NM_002856.3).
Identifiers: ClinVar variation 3034988 (VCV003034988.2), dbSNP rs149820842, ClinGen allele CA9505050.

ClinVar aggregate classification (germline): Likely benign (0 of 4 stars; one submission).

Conditions:
NECTIN2-related disorder. Also called: NECTIN2-related condition.

Allele frequency attached by ClinVar (database versions not stated): gnomAD exomes 0.00003; ExAC 0.00011; gnomAD 0.00027; TOPMed 0.00032; ESP Exome Variant Server 0.00038; 1000 Genomes Project 30x 0.00094; 1000 Genomes Project 0.00100.
gnomAD v4.1: 93 of 1,614,032 alleles (0.0058%); highest among the groups gnomAD compares: African/African-American, 0.11%; 1 homozygote.

Submission:

PreventionGenetics, part of Exact Sciences
Classification: Likely benign for NECTIN2-related condition. Last evaluated: 2019-08-10. Review status: no assertion criteria provided. Collection method: clinical testing. Allele origin: germline.
Comment: This variant is classified as likely benign based on ACMG/AMP sequence variant interpretation guidelines (Richards et al. 2015 PMID: 25741868, with internal and published modifications).